The following is an entry in ClinVar:

NM_173630.4(RTTN):c.6596-7A>T

Gene: RTTN (rotatin; minus strand). Cytogenetic location: 18q22.2.
Variant type: single nucleotide variant.
Coding change: c.6596-7A>T on transcript NM_173630.4 (MANE Select); 7 bases into the intron before coding-DNA position 6596, A replaced by T.
Molecular consequence: intron variant.
Genome position (GRCh38, 1-based): chr18:70,004,243, T>A on the plus strand (A>T on the coding strand, the complement: RTTN is on the minus strand). VCF-style: chr18-70004243-T-A. GRCh37 (hg19) VCF-style: chr18-67671479-T-A.
Other names: c.3860-7A>T (NM_001318520.2).
Identifiers: ClinVar variation 717529 (VCV000717529.5), dbSNP rs779249909, ClinGen allele CA8994601.
Genomic context (GRCh38, chr18:70,004,243, plus strand): 5'-CAAGACATTTCAAATAATAGGCATTTAGAGGGTTTGCTTCTGAGTTTGGGAAAGCTGAGA[T>A]AGAAAAATAAGAGTACAGAAATACTAGTTTATGAAACTTGGTACTATACTTAGGAGGCAC-3'

ClinVar aggregate classification (germline): Likely benign. Review status: criteria provided, single submitter (1 of 4 stars). 2 submissions from 2 submitters: Likely benign (1). 1 of the submissions does not count toward it. Last evaluated 2018-03-29.

Conditions:
RTTN-related disorder. Also called: RTTN-related condition.

Allele frequency attached by ClinVar (database versions not stated): TOPMed 0.00005; gnomAD 0.00041.
gnomAD v4.1: 213 of 1,605,158 alleles (0.013%); highest among the groups gnomAD compares: Non-Finnish European, 0.017%; no homozygotes.

Submissions (2):

Labcorp Genetics (formerly Invitae), Labcorp
Classification: Likely benign. Last evaluated: 2018-03-29. Review status: criteria provided, single submitter. Criteria: Invitae Variant Classification Sherloc (09022015). Collection method: clinical testing. Allele origin: germline.

PreventionGenetics, part of Exact Sciences
Classification: Likely benign for RTTN-related condition. Last evaluated: 2021-02-23. Review status: no assertion criteria provided. Collection method: clinical testing. Allele origin: germline. Not counted in ClinVar's aggregate classification.
Comment: This variant is classified as likely benign based on ACMG/AMP sequence variant interpretation guidelines (Richards et al. 2015 PMID: 25741868, with internal and published modifications).